The following is an entry in ClinVar:

NM_000377.3(WAS):c.88_90del (p.His30del)

Gene: WAS (WASP actin nucleation promoting factor; plus strand). Cytogenetic location: Xp11.23.
Variant type: Deletion.
Coding change: c.88_90del on transcript NM_000377.3 (MANE Select); coding-DNA positions 88 to 90, 3 bases deleted (CAC; older notation c.88_90delCAC).
Protein change: p.His30del; deletes histidine 30.
Molecular consequence: inframe deletion.
Genome position (GRCh38, 1-based): chrX:48,683,941-48,683,943, CAC deleted; deleting any 3 consecutive bases within chrX:48,683,939-48,683,943 gives the same sequence; the c. name uses the placement nearest the transcript's 3' end. VCF-style (leftmost placement, unchanged base first): chrX-48683938-GACC-G. GRCh37 (hg19) VCF-style: chrX-48542327-GACC-G.
Other names: short protein forms H30del.
Identifiers: ClinVar variation 2925664 (VCV002925664.4), dbSNP rs2519277614, ClinGen allele CA2695233948.
Genomic context (GRCh38, chrX:48,683,938, plus strand): 5'-AGGCCCGGGGGCCGAGGAGCACCAGCGGTTCAGCAGAACATACCCTCCACCCTCCTCCAG[GACC>G]ACGAGAACCAGCGACTCTTTGAGATGCTTGGACGAAAATGCTTGGTGAGCTGGGGATCTC-3'

ClinVar aggregate classification (germline): Conflicting classifications of pathogenicity. Review status: criteria provided, conflicting classifications (1 of 4 stars). 2 submissions from 2 submitters: Likely pathogenic (1); Uncertain significance (1). Last evaluated 2026-01-11.

Conditions:
WAS-related disorder. Also called: WAS-related condition; WAS-Related Disorders. Identifiers: MedGen CN381538.
Wiskott-Aldrich syndrome (WAS). Also called: ALDRICH SYNDROME; IMMUNODEFICIENCY 2; WISKOTT-ALDRICH SYNDROME 1; Wiskott-aldrich syndrome, somatic. Identifiers: Orphanet 906, MedGen C0043194, MONDO:0010518, OMIM 301000.
X-linked severe congenital neutropenia (SCNX). Identifiers: Orphanet 86788, MedGen C1845987, MONDO:0010294, OMIM 300299.
Thrombocytopenia 1. Also called: X-linked thrombocytopenia with normal platelets; X-Linked Thrombocytopenia (XLT); THROMBOCYTOPENIA, X-LINKED, 1. Identifiers: Orphanet 268322, Orphanet 852, MedGen C1839163, MONDO:0010743, OMIM 313900.

Submissions (2):

PreventionGenetics, part of Exact Sciences
Classification: Likely pathogenic for WAS-related condition. Last evaluated: 2026-01-11. Review status: criteria provided, single submitter. Criteria: ACMG Guidelines, 2015. Collection method: clinical testing. Allele origin: germline.
Comment: The WAS c.88_90delCAC variant is predicted to result in an in-frame deletion (p.His30del). This variant has been reported in several individuals with thrombocytopenia or Wiskott-Aldrich syndrome (Kolluri et al. 1995. PubMed ID: 8528198; Supplemental table 1, Vallée et al. 2024. PubMed ID: 38579284; Supplemental table S1; Kuzmenko et al. 2024. PubMed ID: 39052144). This variant has not been reported in a large population database (gnomAD), indicating this variant is rare. This variant is interpreted as likely pathogenic.

Labcorp Genetics (formerly Invitae), Labcorp
Classification: Uncertain significance for Wiskott-Aldrich syndrome; X-linked severe congenital neutropenia; Thrombocytopenia 1. Last evaluated: 2025-09-08. Review status: criteria provided, single submitter. Criteria: Invitae Variant Classification Sherloc (09022015). Collection method: clinical testing. Allele origin: germline.
Comment: This variant, c.88_90del, results in the deletion of 1 amino acid(s) of the WAS protein (p.His30del), but otherwise preserves the integrity of the reading frame. This variant is not present in population databases (gnomAD no frequency). This variant has been observed in individuals with thrombocytopenia (PMID: 8528198; internal data). ClinVar contains an entry for this variant (Variation ID: 2925664). Experimental studies and prediction algorithms are not available or were not evaluated, and the functional significance of this variant is currently unknown. In summary, the available evidence is currently insufficient to determine the role of this variant in disease. Therefore, it has been classified as a Variant of Uncertain Significance.

Literature cited by the submitters: PubMed 8528198 (cited by Labcorp Genetics (formerly Invitae), Labcorp).